The following is an entry in ClinVar:

ClinVar aggregate classification (germline): Uncertain significance (1 of 4 stars; one submission).

gnomAD v4.1: 36 of 1,611,754 alleles (0.0022%); highest among the groups gnomAD compares: Non-Finnish European, 0.0029%; no homozygotes.

Submission:

Labcorp Genetics (formerly Invitae), Labcorp
Classification: Uncertain significance. Last evaluated: 2025-12-16. Review status: criteria provided, single submitter. Criteria: Invitae Variant Classification Sherloc (09022015). Collection method: clinical testing. Allele origin: germline.
Comment: This sequence change replaces proline, which is neutral and non-polar, with leucine, which is neutral and non-polar, at codon 362 of the COL9A1 protein (p.Pro362Leu). This variant is present in population databases (rs374255811, gnomAD 0.004%). This variant has not been reported in the literature in individuals affected with COL9A1-related conditions. ClinVar contains an entry for this variant (Variation ID: 968467). Invitae Evidence Modeling of protein sequence and biophysical properties (such as structural, functional, and spatial information, amino acid conservation, physicochemical variation, residue mobility, and thermodynamic stability) indicates that this missense variant is not expected to disrupt COL9A1 protein function with a negative predictive value of 95%. In summary, the available evidence is currently insufficient to determine the role of this variant in disease. Therefore, it has been classified as a Variant of Uncertain Significance.

NM_001851.6(COL9A1):c.1085C>T (p.Pro362Leu)

Gene: COL9A1 (collagen type IX alpha 1 chain; minus strand). Cytogenetic location: 6q13.
Variant type: single nucleotide variant.
Coding change: c.1085C>T on transcript NM_001851.6 (MANE Select); coding-DNA position 1085, C replaced by T.
Protein change: p.Pro362Leu; replaces proline 362 with leucine.
Molecular consequence: missense variant. On other transcripts: non-coding transcript variant (1).
Genome position (GRCh38, 1-based): chr6:70,272,069, G>A on the plus strand (C>T on the coding strand, the complement: COL9A1 is on the minus strand). VCF-style: chr6-70272069-G-A. GRCh37 (hg19) VCF-style: chr6-70981772-G-A.
Other names: c.356C>T, p.Pro119Leu (NM_001377289.1, NM_001377290.1, NM_078485.4); short protein forms P119L, P362L.
Identifiers: ClinVar variation 968467 (VCV000968467.8), dbSNP rs374255811, ClinGen allele CA3882427.